The following is an entry in ClinVar:

ClinVar aggregate classification (germline): Conflicting classifications of pathogenicity. Review status: criteria provided, conflicting classifications (1 of 4 stars). 2 submissions from 2 submitters: Uncertain significance (1); Likely benign (1). Last evaluated 2025-08-01.

Submissions (2):

Labcorp Genetics (formerly Invitae), Labcorp
Classification: Uncertain significance. Last evaluated: 2025-08-01. Review status: criteria provided, single submitter. Criteria: Invitae Variant Classification Sherloc (09022015). Collection method: clinical testing. Allele origin: germline.
Comment: This variant, c.1671_1673dup, results in the insertion of 1 amino acid(s) of the LMNB1 protein (p.Glu559dup), but otherwise preserves the integrity of the reading frame. This variant is present in population databases (rs747030039, gnomAD 0.05%), and has an allele count higher than expected for a pathogenic variant. This variant has not been reported in the literature in individuals affected with LMNB1-related conditions. Experimental studies and prediction algorithms are not available or were not evaluated, and the functional significance of this variant is currently unknown. In summary, the available evidence is currently insufficient to determine the role of this variant in disease. Therefore, it has been classified as a Variant of Uncertain Significance.

Blueprint Genetics
Classification: Likely benign. Last evaluated: 2024-10-14. Review status: criteria provided, single submitter. Criteria: ACMG Guidelines, 2015. Collection method: clinical testing. Allele origin: germline.

NM_005573.4(LMNB1):c.1662GGA[5] (p.Glu559_Ala560insGlu)

Gene: LMNB1 (lamin B1; plus strand). Cytogenetic location: 5q23.2.
Variant type: Microsatellite.
Coding change: c.1662GGA[5] on transcript NM_005573.4 (MANE Select); five copies in a row of the 3-base unit GGA starting at c.1662; the reference has four copies in a row; one copy, 3 bases duplicated.
Protein change: p.Glu559_Ala560insGlu.
Molecular consequence: inframe insertion. On other transcripts: non-coding transcript variant (1).
Genome position (GRCh38, 1-based): chr5:126,832,753-126,832,755, GGA duplicated; duplicating any 3 consecutive bases within chr5:126,832,742-126,832,755 gives the same sequence; the position shown is the placement nearest the transcript's 3' end. VCF-style (leftmost placement, unchanged base first): chr5-126832741-A-AGAG. GRCh37 (hg19) VCF-style: chr5-126168433-A-AGAG.
Other names: c.1032GGA[5], p.Glu349_Ala350insGlu (NM_001198557.2).
Identifiers: ClinVar variation 2141626 (VCV002141626.4), dbSNP rs529151539, ClinGen allele CA3390786.